The following is an entry in ClinVar:

ClinVar aggregate classification (germline): Uncertain significance. Review status: criteria provided, multiple submitters, no conflicts (2 of 4 stars). 2 submissions from 2 submitters: Uncertain significance (2). Last evaluated 2025-08-07.

Conditions:
Inborn genetic diseases. Identifiers: MedGen C0950123, MeSH D030342.
Neuronal ceroid lipofuscinosis. Also called: Neuronal Ceroid Lipofuscinoses. Identifiers: Orphanet 216, Orphanet 79263, MedGen C0027877, MONDO:0016295. Disease mechanism: loss of function.

Submissions (2):

Ambry Genetics
Classification: Uncertain significance for Inborn genetic diseases. Last evaluated: 2025-08-07. Review status: criteria provided, single submitter. Criteria: Ambry Variant Classification Scheme 2023. Collection method: clinical testing. Allele origin: germline.

Labcorp Genetics (formerly Invitae), Labcorp
Classification: Uncertain significance for Neuronal ceroid lipofuscinosis. Last evaluated: 2021-08-24. Review status: criteria provided, single submitter. Criteria: Invitae Variant Classification Sherloc (09022015). Collection method: clinical testing. Allele origin: germline.
Comment: This sequence change replaces isoleucine with methionine at codon 244 of the CLN8 protein (p.Ile244Met). The isoleucine residue is moderately conserved and there is a small physicochemical difference between isoleucine and methionine. This variant is not present in population databases (ExAC no frequency). This variant has not been reported in the literature in individuals affected with CLN8-related conditions. Algorithms developed to predict the effect of missense changes on protein structure and function are either unavailable or do not agree on the potential impact of this missense change (SIFT: "Deleterious"; PolyPhen-2: "Benign"; Align-GVGD: "Class C0"). In summary, the available evidence is currently insufficient to determine the role of this variant in disease. Therefore, it has been classified as a Variant of Uncertain Significance.

NM_018941.4(CLN8):c.732C>G (p.Ile244Met)

Gene: CLN8 (CLN8 transmembrane ER and ERGIC protein; plus strand). Cytogenetic location: 8p23.3.
Variant type: single nucleotide variant.
Coding change: c.732C>G on transcript NM_018941.4 (MANE Select); coding-DNA position 732, C replaced by G.
Protein change: p.Ile244Met; replaces isoleucine 244 with methionine.
Molecular consequence: missense variant.
Genome position (GRCh38, 1-based): chr8:1,780,438, C>G. VCF-style: chr8-1780438-C-G. GRCh37 (hg19) VCF-style: chr8-1728604-C-G.
Other names: c.732C>G (NM_018941.3); short protein forms I244M.
Identifiers: ClinVar variation 1475637 (VCV001475637.6), dbSNP rs747778614, ClinGen allele CA369954201.